The following is an entry in ClinVar:

ClinVar aggregate classification (germline): Uncertain significance. Review status: criteria provided, multiple submitters, no conflicts (2 of 4 stars). 2 submissions from 2 submitters: Uncertain significance (2). Last evaluated 2025-12-16.

Conditions:
TRIM32-related disorder. Also called: TRIM32-related condition.
Inborn genetic diseases. Identifiers: MedGen C0950123, MeSH D030342.

gnomAD v4.1: 10 of 1,613,854 alleles (0.00062%); highest among the groups gnomAD compares: Non-Finnish European, 0.00085%; no homozygotes.

Submissions (2):

Ambry Genetics
Classification: Uncertain significance for Inborn genetic diseases. Last evaluated: 2025-12-16. Review status: criteria provided, single submitter. Criteria: Ambry Variant Classification Scheme 2023. Collection method: clinical testing. Allele origin: germline.

PreventionGenetics, part of Exact Sciences
Classification: Uncertain significance for TRIM32-related condition. Last evaluated: 2025-04-11. Review status: criteria provided, single submitter. Criteria: ACMG Guidelines, 2015. Collection method: clinical testing. Allele origin: germline.
Comment: The TRIM32 c.541T>A variant is predicted to result in the amino acid substitution p.Tyr181Asn. To our knowledge, this variant has not been reported in the literature. This variant is reported in 0.0026% of alleles in individuals of European (Non-Finnish) descent in gnomAD. At this time, the clinical significance of this variant is uncertain due to the absence of conclusive functional and genetic evidence.

NM_012210.4(TRIM32):c.541T>A (p.Tyr181Asn)

Genes: ASTN2 (astrotactin 2; minus strand), TRIM32 (tripartite motif containing 32; plus strand). Cytogenetic location: 9q33.1.
Variant type: single nucleotide variant.
Coding change: c.541T>A on transcript NM_012210.4 (MANE Select); coding-DNA position 541, T replaced by A.
Protein change: p.Tyr181Asn; replaces tyrosine 181 with asparagine.
Molecular consequence: missense variant. On other transcripts: intron variant (3).
Genome position (GRCh38, 1-based): chr9:116,698,283, T>A. VCF-style: chr9-116698283-T-A. GRCh37 (hg19) VCF-style: chr9-119460562-T-A.
Other names: c.2653+27488A>T (NM_014010.5); c.2794+27488A>T (NM_001365069.1); c.2806+27488A>T (NM_001365068.1); c.541T>A, p.Tyr181Asn (NM_001099679.2, NM_001379048.1, NM_001379049.1 and 1 more transcripts); short protein forms Y181N.
Identifiers: ClinVar variation 4832484 (VCV004832484.2).